The following is an entry in ClinVar:

NC_000004.11:g.(?_1619775)_(2181192_?)del

Genes: FAM53A (family with sequence similarity 53 member A; minus strand), NICOL1 (NELL2 interacting cell ontogeny regulator 1; plus strand), FGFR3 (fibroblast growth factor receptor 3; plus strand), LETM1 (leucine zipper and EF-hand containing transmembrane protein 1; minus strand), NAT8L (N-acetyltransferase 8 like; plus strand) and 6 more. Cytogenetic location: 4p16.3.
Variant type: Deletion.
Identifiers: ClinVar variation 1075075 (VCV001075075.1).

ClinVar aggregate classification (germline): Pathogenic (1 of 4 stars; one submission).

Submission:

Labcorp Genetics (formerly Invitae), Labcorp
Classification: Pathogenic. Last evaluated: 2020-07-17. Review status: criteria provided, single submitter. Criteria: Invitae Variant Classification Sherloc (09022015). Collection method: clinical testing. Allele origin: germline.
Comment: A gross deletion of the genomic region encompassing the full coding sequence of the WHSC1 gene has been identified. The boundaries of this event are unknown as the deletion extends beyond the assayed region for this gene and therefore may encompass additional genes. Isolated whole-gene deletions of WHSC1 have not been reported in the literature. However, larger copy number events that include this gene have been reported (PMID: 23963300). Loss-of-function variants in WHSC1 are known to be pathogenic (PMID: 31171569). For these reasons, this variant has been classified as Pathogenic.

Literature cited by the submitters: PubMed 23963300; PubMed 31171569.